The following is an entry in ClinVar:

ClinVar aggregate classification (germline): Uncertain significance (1 of 4 stars; one submission).

Conditions:
Nemaline myopathy 8 (NEM8). Also called: Nemaline myopathy 8, autosomal recessive. Identifiers: Orphanet 171430, MedGen C3809209, MONDO:0014138, OMIM 615348.

Allele frequency attached by ClinVar (database versions not stated): gnomAD 0.00001.
gnomAD v4.1: 3 of 1,552,136 alleles (0.00019%); highest among the groups gnomAD compares: Admixed American, 0.0019%; no homozygotes.

Submission:

Labcorp Genetics (formerly Invitae), Labcorp
Classification: Uncertain significance for Nemaline myopathy 8. Last evaluated: 2022-07-26. Review status: criteria provided, single submitter. Criteria: Invitae Variant Classification Sherloc (09022015). Collection method: clinical testing. Allele origin: germline.
Comment: In summary, the available evidence is currently insufficient to determine the role of this variant in disease. Therefore, it has been classified as a Variant of Uncertain Significance. Algorithms developed to predict the effect of missense changes on protein structure and function (SIFT, PolyPhen-2, Align-GVGD) all suggest that this variant is likely to be disruptive. This variant has not been reported in the literature in individuals affected with KLHL40-related conditions. This variant is not present in population databases (gnomAD no frequency). This sequence change replaces arginine, which is basic and polar, with glycine, which is neutral and non-polar, at codon 213 of the KLHL40 protein (p.Arg213Gly).

NM_152393.4(KLHL40):c.637C>G (p.Arg213Gly)

Gene: KLHL40 (kelch like family member 40; plus strand). Cytogenetic location: 3p22.1.
Variant type: single nucleotide variant.
Coding change: c.637C>G on transcript NM_152393.4 (MANE Select); coding-DNA position 637, C replaced by G.
Protein change: p.Arg213Gly; replaces arginine 213 with glycine.
Molecular consequence: missense variant.
Genome position (GRCh38, 1-based): chr3:42,686,255, C>G. VCF-style: chr3-42686255-C-G. GRCh37 (hg19) VCF-style: chr3-42727747-C-G.
Other names: short protein forms R213G.
Identifiers: ClinVar variation 1713637 (VCV001713637.5), dbSNP rs1697271494, ClinGen allele CA352290187.